The following is an entry in ClinVar:

ClinVar aggregate classification (germline): Uncertain significance. Review status: criteria provided, multiple submitters, no conflicts (2 of 4 stars). 4 submissions from 4 submitters: Uncertain significance (4). Last evaluated 2025-10-08.

Conditions:
Cerebral palsy, spastic quadriplegic, 2 (CPSQ2). Identifiers: Orphanet 210141, MedGen C2752061, MONDO:0013033, OMIM 612900.

Allele frequency attached by ClinVar (database versions not stated): gnomAD exomes 0.00003 and 0.00007; ExAC 0.00005; ESP Exome Variant Server 0.00008; TOPMed 0.00008; gnomAD 0.00009.
gnomAD v4.1: 116 of 1,613,768 alleles (0.0072%); highest among the groups gnomAD compares: Middle Eastern, 0.016%; no homozygotes.

Submissions (4):

Labcorp Genetics (formerly Invitae), Labcorp
Classification: Uncertain significance. Last evaluated: 2025-10-08. Review status: criteria provided, single submitter. Criteria: Invitae Variant Classification Sherloc (09022015). Collection method: clinical testing. Allele origin: germline.
Comment: This sequence change replaces glutamic acid, which is acidic and polar, with lysine, which is basic and polar, at codon 693 of the KANK1 protein (p.Glu693Lys). This variant is present in population databases (rs370791961, gnomAD 0.008%). This variant has not been reported in the literature in individuals affected with KANK1-related conditions. ClinVar contains an entry for this variant (Variation ID: 810342). Invitae Evidence Modeling of protein sequence and biophysical properties (such as structural, functional, and spatial information, amino acid conservation, physicochemical variation, residue mobility, and thermodynamic stability) indicates that this missense variant is not expected to disrupt KANK1 protein function with a negative predictive value of 80%. In summary, the available evidence is currently insufficient to determine the role of this variant in disease. Therefore, it has been classified as a Variant of Uncertain Significance.

Ambry Genetics
Classification: Uncertain significance. Last evaluated: 2022-06-24. Review status: criteria provided, single submitter. Criteria: Ambry Variant Classification Scheme 2023. Collection method: clinical testing. Allele origin: germline.

Fulgent Genetics
Classification: Uncertain significance for Cerebral palsy, spastic quadriplegic, 2. Last evaluated: 2021-12-29. Review status: criteria provided, single submitter. Criteria: ACMG Guidelines, 2015. Collection method: clinical testing. Allele origin: unknown.

CeGaT Center for Human Genetics Tuebingen
Classification: Uncertain significance. Last evaluated: 2016-05-01. Review status: criteria provided, single submitter. Criteria: CeGaT Center For Human Genetics Tuebingen Variant Classification Criteria Version 2. Collection method: clinical testing. Allele origin: germline. Affected: yes. Observed: 1 variant allele.

NM_015158.5(KANK1):c.2077G>A (p.Glu693Lys)

Gene: KANK1 (KN motif and ankyrin repeat domains 1; plus strand). Cytogenetic location: 9p24.3.
Variant type: single nucleotide variant.
Coding change: c.2077G>A on transcript NM_015158.5 (MANE Select); coding-DNA position 2077, G replaced by A.
Protein change: p.Glu693Lys; replaces glutamic acid 693 with lysine.
Molecular consequence: missense variant. On other transcripts: non-coding transcript variant (1).
Genome position (GRCh38, 1-based): chr9:712,843, G>A. VCF-style: chr9-712843-G-A. GRCh37 (hg19) VCF-style: chr9-712843-G-A.
Other names: c.2077G>A, p.Glu693Lys (NM_001256876.3, NM_001256877.3, NM_001354331.2 and 2 more transcripts); c.1603G>A, p.Glu535Lys (NM_001354333.2, NM_001354335.2, NM_001354336.2 and 9 more transcripts); c.2077G>A (NM_015158.2); short protein forms E693K, E535K.
Identifiers: ClinVar variation 810342 (VCV000810342.48), dbSNP rs370791961, ClinGen allele CA4960412.